The following is an entry in ClinVar:

ClinVar aggregate classification (germline): Uncertain significance (1 of 4 stars; one submission).

Allele frequency attached by ClinVar (database versions not stated): TOPMed 0.00002; ExAC 0.00003; gnomAD 0.00003; gnomAD exomes 0.00004.

Submission:

Labcorp Genetics (formerly Invitae), Labcorp
Classification: Uncertain significance. Last evaluated: 2025-04-16. Review status: criteria provided, single submitter. Criteria: Invitae Variant Classification Sherloc (09022015). Collection method: clinical testing. Allele origin: germline.
Comment: This sequence change affects a splice site in intron 22 of the RIMS1 gene. It is expected to disrupt RNA splicing. Variants that disrupt the donor or acceptor splice site typically lead to a loss of protein function (PMID: 16199547), however the current clinical and genetic evidence is not sufficient to establish whether loss-of-function variants in RIMS1 cause disease. This variant is present in population databases (rs748415513, gnomAD 0.007%). This variant has not been reported in the literature in individuals affected with RIMS1-related conditions. ClinVar contains an entry for this variant (Variation ID: 1914372). In summary, the available evidence is currently insufficient to determine the role of this variant in disease. Therefore, it has been classified as a Variant of Uncertain Significance.

Literature cited by the submitters: PubMed 16199547.

NM_014989.7(RIMS1):c.3399-2_3399-1del

Gene: RIMS1 (regulating synaptic membrane exocytosis 1; plus strand). Cytogenetic location: 6q13.
Variant type: Deletion.
Coding change: c.3399-2_3399-1del on transcript NM_014989.7 (MANE Select); the canonical splice acceptor site of the intron before coding-DNA position 3399, 2 bases deleted (AG; older notation c.3399-2_3399-1delAG).
Molecular consequence: splice acceptor variant. On other transcripts: intron variant (58).
Genome position (GRCh38, 1-based): chr6:72,274,347-72,274,348, AG deleted. VCF-style (leftmost placement, unchanged base first): chr6-72274346-CAG-C. GRCh37 (hg19) VCF-style: chr6-72984049-CAG-C.
Other names: c.1559+8298_1559+8299del (NM_001350428.2, NM_001350459.2, NM_001350424.2 and 1 more transcripts); c.1557-2_1557-1del (NM_001350437.2); c.1556+8298_1556+8299del (NM_001350430.2, NM_001350421.2, NM_001350450.2); c.1706+8298_1706+8299del (NM_001350458.2); c.1629-2_1629-1del (NM_001350433.2); c.1628+8298_1628+8299del (NM_001350446.2, NM_001350442.2, NM_001350416.2 and 7 more transcripts); c.1539-9700_1539-9699del (NM_001350431.2); c.1565+8298_1565+8299del (NM_001350457.2); and 20 more.
Identifiers: ClinVar variation 1914372 (VCV001914372.5), dbSNP rs748415513, ClinGen allele CA3886235.